The following is an entry in ClinVar:

ClinVar aggregate classification (germline): Uncertain significance (1 of 4 stars; one submission).

Conditions:
Fanconi anemia (FA). Also called: Fanconi's anemia. Identifiers: Orphanet 84, MedGen C0015625, MeSH D005199, MONDO:0019391.

Allele frequency attached by ClinVar (database versions not stated): gnomAD 0.00002.
gnomAD v4.1: 6 of 1,610,276 alleles (0.00037%); highest among the groups gnomAD compares: Admixed American, 0.01%; no homozygotes.

Submission:

Labcorp Genetics (formerly Invitae), Labcorp
Classification: Uncertain significance for Fanconi anemia. Last evaluated: 2019-07-18. Review status: criteria provided, single submitter. Criteria: Invitae Variant Classification Sherloc (09022015). Collection method: clinical testing. Allele origin: germline.
Comment: This sequence change replaces asparagine with lysine at codon 1385 of the SLX4 protein (p.Asn1385Lys). The asparagine residue is weakly conserved and there is a moderate physicochemical difference between asparagine and lysine. This variant is not present in population databases (ExAC no frequency). This variant has not been reported in the literature in individuals with SLX4-related conditions. Algorithms developed to predict the effect of missense changes on protein structure and function output the following: SIFT: "Tolerated"; PolyPhen-2: "Benign"; Align-GVGD: "Class C0". The lysine amino acid residue is found in multiple mammalian species, suggesting that this missense change does not adversely affect protein function. These predictions have not been confirmed by published functional studies and their clinical significance is uncertain. In summary, the available evidence is currently insufficient to determine the role of this variant in disease. Therefore, it has been classified as a Variant of Uncertain Significance.

NM_032444.4(SLX4):c.4155C>G (p.Asn1385Lys)

Gene: SLX4 (SLX4 structure-specific endonuclease subunit; minus strand). Cytogenetic location: 16p13.3.
Variant type: single nucleotide variant.
Coding change: c.4155C>G on transcript NM_032444.4 (MANE Select); coding-DNA position 4155, C replaced by G.
Protein change: p.Asn1385Lys; replaces asparagine 1385 with lysine.
Molecular consequence: missense variant.
Genome position (GRCh38, 1-based): chr16:3,589,483, G>C on the plus strand (C>G on the coding strand, the complement: SLX4 is on the minus strand). VCF-style: chr16-3589483-G-C. GRCh37 (hg19) VCF-style: chr16-3639484-G-C.
Other names: short protein forms N1385K.
Identifiers: ClinVar variation 962433 (VCV000962433.9), dbSNP rs1308197455, ClinGen allele CA394518312.